The following is an entry in ClinVar:

ClinVar aggregate classification (germline): Conflicting classifications of pathogenicity. Review status: criteria provided, conflicting classifications (1 of 4 stars). 2 submissions from 2 submitters: Uncertain significance (1); Likely benign (1). Last evaluated 2025-12-10.

Conditions:
Baller-Gerold syndrome (BGS). Also called: CRANIOSYNOSTOSIS WITH RADIAL DEFECTS. Identifiers: Orphanet 1225, MedGen C0265308, MONDO:0009039, OMIM 218600.

Allele frequency attached by ClinVar (database versions not stated): gnomAD exomes below 0.00001 and 0.00001; TOPMed below 0.00001; ExAC 0.00003.
gnomAD v4.1: 6 of 1,612,328 alleles (0.00037%); highest among the groups gnomAD compares: Middle Eastern, 0.099%; no homozygotes.

Submissions (2):

Labcorp Genetics (formerly Invitae), Labcorp
Classification: Uncertain significance for Baller-Gerold syndrome. Last evaluated: 2025-12-10. Review status: criteria provided, single submitter. Criteria: Invitae Variant Classification Sherloc (09022015). Collection method: clinical testing. Allele origin: germline.
Comment: This sequence change falls in intron 7 of the RECQL4 gene. It does not directly change the encoded amino acid sequence of the RECQL4 protein. It affects a nucleotide within the consensus splice site. This variant is present in population databases (rs770762372, gnomAD 0.002%). This variant has not been reported in the literature in individuals affected with RECQL4-related conditions. ClinVar contains an entry for this variant (Variation ID: 1057582). Variants that disrupt the consensus splice site are a relatively common cause of aberrant splicing (PMID: 17576681, 9536098). Algorithms developed to predict the effect of sequence changes on RNA splicing suggest that this variant is not likely to affect RNA splicing. In summary, the available evidence is currently insufficient to determine the role of this variant in disease. Therefore, it has been classified as a Variant of Uncertain Significance.

Blueprint Genetics
Classification: Likely benign. Last evaluated: 2024-03-14. Review status: criteria provided, single submitter. Criteria: ACMG Guidelines, 2015. Collection method: clinical testing. Allele origin: germline.

Literature cited by the submitters: PubMed 17576681 (cited by Labcorp Genetics (formerly Invitae), Labcorp); PubMed 9536098 (cited by Labcorp Genetics (formerly Invitae), Labcorp).

NM_004260.4(RECQL4):c.1390+6C>A

Gene: RECQL4 (RecQ like helicase 4; minus strand). Cytogenetic location: 8q24.3.
Variant type: single nucleotide variant.
Coding change: c.1390+6C>A on transcript NM_004260.4 (MANE Select); 6 bases into the intron after coding-DNA position 1390, C replaced by A.
Molecular consequence: intron variant.
Genome position (GRCh38, 1-based): chr8:144,515,320, G>T on the plus strand (C>A on the coding strand, the complement: RECQL4 is on the minus strand). VCF-style: chr8-144515320-G-T. GRCh37 (hg19) VCF-style: chr8-145740704-G-T.
Identifiers: ClinVar variation 1057582 (VCV001057582.6), dbSNP rs770762372, ClinGen allele CA4948896.